The following is an entry in ClinVar:

ClinVar aggregate classification (germline): Uncertain significance (1 of 4 stars; one submission).

Submission:

Labcorp Genetics (formerly Invitae), Labcorp
Classification: Uncertain significance. Last evaluated: 2025-03-26. Review status: criteria provided, single submitter. Criteria: Invitae Variant Classification Sherloc (09022015). Collection method: clinical testing. Allele origin: germline.
Comment: This sequence change replaces alanine, which is neutral and non-polar, with aspartic acid, which is acidic and polar, at codon 1010 of the POLE protein (p.Ala1010Asp). This variant is not present in population databases (gnomAD no frequency). This variant has not been reported in the literature in individuals affected with POLE-related conditions. Invitae Evidence Modeling of protein sequence and biophysical properties (such as structural, functional, and spatial information, amino acid conservation, physicochemical variation, residue mobility, and thermodynamic stability) indicates that this missense variant is expected to disrupt POLE protein function with a positive predictive value of 80%. In summary, the available evidence is currently insufficient to determine the role of this variant in disease. Therefore, it has been classified as a Variant of Uncertain Significance.

NM_006231.4(POLE):c.3029C>A (p.Ala1010Asp)

Gene: POLE (DNA polymerase epsilon, catalytic subunit; minus strand). Cytogenetic location: 12q24.33.
Variant type: single nucleotide variant.
Coding change: c.3029C>A on transcript NM_006231.4 (MANE Select); coding-DNA position 3029, C replaced by A.
Protein change: p.Ala1010Asp; replaces alanine 1010 with aspartic acid.
Molecular consequence: missense variant.
Genome position (GRCh38, 1-based): chr12:132,661,000, G>T on the plus strand (C>A on the coding strand, the complement: POLE is on the minus strand). VCF-style: chr12-132661000-G-T. GRCh37 (hg19) VCF-style: chr12-133237586-G-T.
Other names: short protein forms A1010D.
Identifiers: ClinVar variation 4746898 (VCV004746898.1).